The following is an entry in ClinVar:

NM_004415.4(DSP):c.37_38del (p.Thr13fs)

Genes: DSP-AS1 (DSP antisense RNA 1; minus strand), DSP (desmoplakin; plus strand). Cytogenetic location: 6p24.3.
Variant type: Microsatellite.
Coding change: c.37_38del on transcript NM_004415.4 (MANE Select); coding-DNA positions 37 to 38, 2 bases deleted (AC; older notation c.37_38delAC).
Protein change: p.Thr13fs; shifts the reading frame from threonine 13.
Molecular consequence: frameshift variant.
Genome position (GRCh38, 1-based): chr6:7,541,952-7,541,953, AC deleted; deleting any 2 consecutive bases within chr6:7,541,950-7,541,953 gives the same sequence; the c. name uses the placement nearest the transcript's 3' end. VCF-style (leftmost placement, unchanged base first): chr6-7541949-AAC-A. GRCh37 (hg19) VCF-style: chr6-7542182-AAC-A.
Other names: c.37_38del, p.Thr13fs (NM_001008844.3, NM_001319034.2, NM_001406591.1); short protein forms T13fs.
Identifiers: ClinVar variation 3386611 (VCV003386611.1).

ClinVar aggregate classification (germline): Uncertain significance (1 of 4 stars; one submission).

Conditions:
Arrhythmogenic cardiomyopathy with wooly hair and keratoderma. Also called: Carvajal syndrome; PALMOPLANTAR KERATODERMA WITH LEFT VENTRICULAR CARDIOMYOPATHY AND WOOLLY HAIR; Dilated cardiomyopathy with woolly hair and keratoderma; Arrhythmogenic cardiomyopathy with woolly hair and keratoderma. Identifiers: Orphanet 65282, MedGen C1854063, MONDO:0011581, OMIM 605676.

Submission:

All of Us Research Program, National Institutes of Health
Classification: Uncertain significance for Arrhythmogenic cardiomyopathy with wooly hair and keratoderma. Last evaluated: 2024-01-11. Review status: criteria provided, single submitter. Criteria: ACMG Guidelines, 2015. Collection method: clinical testing. Allele origin: germline. Inheritance: Autosomal dominant inheritance. Observed: 1 variant allele, 1 heterozygote.
Comment: This study involves interpretation of variants in research participants for the purpose of population health screening. Participant phenotype was not available at the time of variant classification. Additional details can be found in publication PMID: 35346344, PMCID: PMC8962531